The following is an entry in ClinVar:

ClinVar aggregate classification (germline): Benign/Likely benign. Review status: criteria provided, multiple submitters, no conflicts (2 of 4 stars). 13 submissions from 13 submitters: Benign (4); Likely benign (6). 3 of the submissions do not count toward it. Last evaluated 2026-09-01.

Conditions:
CTCF-related disorder. Also called: CTCF-related condition. Identifiers: MedGen CN381101.
Inborn genetic diseases. Identifiers: MedGen C0950123, MeSH D030342.
CTCF-related neurodevelopmental disorder. Also called: Intellectual disability-feeding difficulties-developmental delay-microcephaly syndrome; INTELLECTUAL DEVELOPMENTAL DISORDER, AUTOSOMAL DOMINANT 21. Identifiers: Orphanet 363611, MedGen C3809686, MONDO:0014213, OMIM 615502.

Allele frequency attached by ClinVar (database versions not stated): 1000 Genomes Project 0.00020; 1000 Genomes Project 30x 0.00031; TOPMed 0.00295; gnomAD 0.00298 and 0.00312; ESP Exome Variant Server 0.00439; gnomAD exomes 0.00489.
gnomAD v4.1: 7,521 of 1,605,712 alleles (0.47%); highest among the groups gnomAD compares: Non-Finnish European, 0.6%; 22 homozygotes.

Submissions (13):

CeGaT Center for Human Genetics Tuebingen
Classification: Benign. Last evaluated: 2026-09-01. Review status: criteria provided, single submitter. Criteria: CeGaT Center For Human Genetics Tuebingen Variant Classification Criteria Version 2. Collection method: clinical testing. Allele origin: germline. Affected: yes. Observed: 38 variant alleles.
Comment: CTCF: BS1, BS2

Blueprint Genetics
Classification: Likely benign. Last evaluated: 2024-10-22. Review status: criteria provided, single submitter. Criteria: ACMG Guidelines, 2015. Collection method: clinical testing. Allele origin: germline.

Labcorp Genetics (formerly Invitae), Labcorp
Classification: Likely benign. Last evaluated: 2019-12-31. Review status: criteria provided, single submitter. Criteria: Invitae Variant Classification Sherloc (09022015). Collection method: clinical testing. Allele origin: germline.

Mendelics
Classification: Likely benign for CTCF-related neurodevelopmental disorder. Last evaluated: 2019-05-28. Review status: criteria provided, single submitter. Criteria: Mendelics Assertion Criteria 2017. Collection method: clinical testing. Allele origin: unknown.

Ambry Genetics
Classification: Benign for Inborn genetic diseases. Last evaluated: 2019-03-17. Review status: criteria provided, single submitter. Criteria: Ambry Variant Classification Scheme 2023. Collection method: clinical testing. Allele origin: germline.

GeneDx
Classification: Benign. Last evaluated: 2018-12-24. Review status: criteria provided, single submitter. Criteria: GeneDx Variant Classification Process June 2021. Collection method: clinical testing. Allele origin: germline. Affected: yes.

Eurofins Ntd Llc (ga)
Classification: Likely benign. Last evaluated: 2017-03-16. Review status: criteria provided, single submitter. Criteria: EGL Classification Definitions 2015. Collection method: clinical testing. Allele origin: germline. Observed: 1 variant allele, 1 heterozygote.

Center for Pediatric Genomic Medicine, Children's Mercy Hospital and Clinics
Classification: Likely benign. Last evaluated: 2016-11-07. Review status: criteria provided, single submitter. Criteria: ACMG Guidelines, 2015. Collection method: clinical testing. Allele origin: germline.
ClinVar note: Converted during submission from Likely Benign to Likely benign.

Genetic Services Laboratory, University of Chicago
Classification: Benign. Last evaluated: 2016-02-17. Review status: criteria provided, single submitter. Criteria: ACMG Guidelines, 2015. Collection method: clinical testing. Allele origin: germline. Affected: no.

Breakthrough Genomics
Classification: Likely benign. Review status: criteria provided, single submitter. Criteria: ACMG Guidelines, 2015. Collection method: not provided. Allele origin: germline. Inheritance: Autosomal dominant inheritance. Affected: yes.

PreventionGenetics, part of Exact Sciences
Classification: Benign for CTCF-related condition. Last evaluated: 2021-08-30. Review status: no assertion criteria provided. Collection method: clinical testing. Allele origin: germline. Not counted in ClinVar's aggregate classification.
Comment: This variant is classified as benign based on ACMG/AMP sequence variant interpretation guidelines (Richards et al. 2015 PMID: 25741868, with internal and published modifications).

Clinical Genetics DNA and cytogenetics Diagnostics Lab, Erasmus MC, Erasmus Medical Center
Classification: Likely benign. Review status: no assertion criteria provided. Collection method: clinical testing. Allele origin: germline. Affected: yes. Study: VKGL Data-share Consensus. Not counted in ClinVar's aggregate classification.

Diagnostic Laboratory, Department of Genetics, University Medical Center Groningen
Classification: Likely benign. Review status: no assertion criteria provided. Collection method: clinical testing. Allele origin: germline. Affected: yes. Study: VKGL Data-share Consensus. Not counted in ClinVar's aggregate classification.

NM_006565.4(CTCF):c.1927C>T (p.Pro643Ser)

Gene: CTCF (CCCTC-binding factor; plus strand). Cytogenetic location: 16q22.1.
Variant type: single nucleotide variant.
Coding change: c.1927C>T on transcript NM_006565.4 (MANE Select); coding-DNA position 1927, C replaced by T.
Protein change: p.Pro643Ser; replaces proline 643 with serine.
Molecular consequence: missense variant.
Genome position (GRCh38, 1-based): chr16:67,636,779, C>T. VCF-style: chr16-67636779-C-T. GRCh37 (hg19) VCF-style: chr16-67670682-C-T.
Other names: c.943C>T, p.Pro315Ser (NM_001191022.2); c.1927C>T, p.Pro643Ser (NM_001363916.2); short protein forms P643S, P315S.
Identifiers: ClinVar variation 210800 (VCV000210800.55), dbSNP rs145727304, ClinGen allele CA207677.